The following is an entry in ClinVar:

NM_002635.4(SLC25A3):c.641C>T (p.Ala214Val)

Gene: SLC25A3 (solute carrier family 25 member 3; plus strand). Cytogenetic location: 12q23.1.
Variant type: single nucleotide variant.
Coding change: c.641C>T on transcript NM_002635.4 (MANE Select); coding-DNA position 641, C replaced by T.
Protein change: p.Ala214Val; replaces alanine 214 with valine.
Molecular consequence: missense variant.
Genome position (GRCh38, 1-based): chr12:98,598,703, C>T. VCF-style: chr12-98598703-C-T. GRCh37 (hg19) VCF-style: chr12-98992481-C-T.
Other names: c.644C>T, p.Ala215Val (NM_005888.4); c.641C>T, p.Ala214Val (NM_213611.3); short protein forms A214V, A215V.
Identifiers: ClinVar variation 2086847 (VCV002086847.1), dbSNP rs137911305, ClinGen allele CA6733012.
Genomic context (GRCh38, chr12:98,598,703, plus strand): 5'-GTTATGCCAACACTTTGAGGGATGCAGCTCCCAAAATGTATAAGGAAGAAGGCCTAAAAG[C>T]GTAAGTAAACACTTAAAAATTTATACTATGAAAGTACTTATTTTAAGTGAACTTCATTTT-3'
Protein context (NP_002626.1, residues 204-224): PKMYKEEGLK[Ala214Val]FYKGVAPLWM

ClinVar aggregate classification (germline): Uncertain significance (1 of 4 stars; one submission).

Allele frequency attached by ClinVar (database versions not stated): gnomAD exomes 0.00001; ExAC 0.00003; gnomAD 0.00005; TOPMed 0.00011; ESP Exome Variant Server 0.00015; 1000 Genomes Project 30x 0.00031; 1000 Genomes Project 0.00040.
gnomAD v4.1: 22 of 1,611,642 alleles (0.0014%); highest among the groups gnomAD compares: Admixed American, 0.018%; no homozygotes.

Submission:

Labcorp Genetics (formerly Invitae), Labcorp
Classification: Uncertain significance. Last evaluated: 2022-05-19. Review status: criteria provided, single submitter. Criteria: Invitae Variant Classification Sherloc (09022015). Collection method: clinical testing. Allele origin: germline.
Comment: This sequence change replaces alanine, which is neutral and non-polar, with valine, which is neutral and non-polar, at codon 215 of the SLC25A3 protein (p.Ala215Val). This variant is present in population databases (rs137911305, gnomAD 0.009%). This variant has not been reported in the literature in individuals affected with SLC25A3-related conditions. Algorithms developed to predict the effect of missense changes on protein structure and function are either unavailable or do not agree on the potential impact of this missense change (SIFT: "Deleterious"; PolyPhen-2: "Possibly Damaging"; Align-GVGD: "Class C0"). Algorithms developed to predict the effect of sequence changes on RNA splicing suggest that this variant may disrupt the consensus splice site. In summary, the available evidence is currently insufficient to determine the role of this variant in disease. Therefore, it has been classified as a Variant of Uncertain Significance.